The following is an entry in ClinVar:

ClinVar aggregate classification (germline): Uncertain significance (1 of 4 stars; one submission).

Allele frequency attached by ClinVar (database versions not stated): gnomAD exomes below 0.00001.
gnomAD v4.1: 1 of 1,614,086 alleles (0.000062%); highest among the groups gnomAD compares: South Asian, 0.0011%; no homozygotes.

Submission:

Labcorp Genetics (formerly Invitae), Labcorp
Classification: Uncertain significance. Last evaluated: 2022-01-26. Review status: criteria provided, single submitter. Criteria: Invitae Variant Classification Sherloc (09022015). Collection method: clinical testing. Allele origin: germline.
Comment: Algorithms developed to predict the effect of missense changes on protein structure and function are either unavailable or do not agree on the potential impact of this missense change (SIFT: "Deleterious"; PolyPhen-2: "Probably Damaging"; Align-GVGD: "Class C0"). In summary, the available evidence is currently insufficient to determine the role of this variant in disease. Therefore, it has been classified as a Variant of Uncertain Significance. This variant has not been reported in the literature in individuals affected with SETBP1-related conditions. This variant is not present in population databases (gnomAD no frequency). This sequence change replaces tyrosine, which is neutral and polar, with histidine, which is basic and polar, at codon 1074 of the SETBP1 protein (p.Tyr1074His).

NM_015559.3(SETBP1):c.3220T>C (p.Tyr1074His)

Gene: SETBP1 (SET binding protein 1; plus strand). Cytogenetic location: 18q12.3.
Variant type: single nucleotide variant.
Coding change: c.3220T>C on transcript NM_015559.3 (MANE Select); coding-DNA position 3220, T replaced by C.
Protein change: p.Tyr1074His; replaces tyrosine 1074 with histidine.
Molecular consequence: missense variant.
Genome position (GRCh38, 1-based): chr18:44,952,560, T>C. VCF-style: chr18-44952560-T-C. GRCh37 (hg19) VCF-style: chr18-42532525-T-C.
Other names: c.3220T>C, p.Tyr1074His (NM_001379141.1, NM_001379142.1, NM_001410862.1); short protein forms Y1074H.
Identifiers: ClinVar variation 2089927 (VCV002089927.4), dbSNP rs2511475076, ClinGen allele CA402323904.